The following is an entry in ClinVar:

ClinVar aggregate classification (germline): Uncertain significance (1 of 4 stars; one submission).

Conditions:
Succinate-semialdehyde dehydrogenase deficiency (SSADHD). Also called: Succinic Semialdehyde Dehydrogenase Deficiency; SSADH DEFICIENCY; 4-HYDROXYBUTYRIC ACIDURIA; GABA METABOLIC DEFECT. Identifiers: Orphanet 22, MedGen C0268631, MONDO:0010083, OMIM 271980.

Allele frequency attached by ClinVar (database versions not stated): gnomAD exomes below 0.00001; TOPMed below 0.00001; gnomAD 0.00001.
gnomAD v4.1: 2 of 1,614,086 alleles (0.00012%); highest among the groups gnomAD compares: Non-Finnish European, 0.00017%; no homozygotes.

Submission:

Labcorp Genetics (formerly Invitae), Labcorp
Classification: Uncertain significance for Succinate-semialdehyde dehydrogenase deficiency. Last evaluated: 2022-07-11. Review status: criteria provided, single submitter. Criteria: Invitae Variant Classification Sherloc (09022015). Collection method: clinical testing. Allele origin: germline.
Comment: In summary, the available evidence is currently insufficient to determine the role of this variant in disease. Therefore, it has been classified as a Variant of Uncertain Significance. Advanced modeling of protein sequence and biophysical properties (such as structural, functional, and spatial information, amino acid conservation, physicochemical variation, residue mobility, and thermodynamic stability) performed at Invitae indicates that this missense variant is not expected to disrupt ALDH5A1 protein function. ClinVar contains an entry for this variant (Variation ID: 840924). This variant has not been reported in the literature in individuals affected with ALDH5A1-related conditions. This variant is not present in population databases (gnomAD no frequency). This sequence change replaces asparagine, which is neutral and polar, with aspartic acid, which is acidic and polar, at codon 320 of the ALDH5A1 protein (p.Asn320Asp).

NM_001080.3(ALDH5A1):c.958A>G (p.Asn320Asp)

Gene: ALDH5A1 (aldehyde dehydrogenase 5 family member A1; plus strand). Cytogenetic location: 6p22.3.
Variant type: single nucleotide variant.
Coding change: c.958A>G on transcript NM_001080.3 (MANE Select); coding-DNA position 958, A replaced by G.
Protein change: p.Asn320Asp; replaces asparagine 320 with aspartic acid.
Molecular consequence: missense variant.
Genome position (GRCh38, 1-based): chr6:24,520,488, A>G. VCF-style: chr6-24520488-A-G. GRCh37 (hg19) VCF-style: chr6-24520716-A-G.
Other names: c.814A>G, p.Asn272Asp (NM_001368954.1); c.997A>G, p.Asn333Asp (NM_170740.1); short protein forms N272D, N333D, N320D.
Identifiers: ClinVar variation 840924 (VCV000840924.5), dbSNP rs912930280, ClinGen allele CA136134649.
Genomic context (GRCh38, chr6:24,520,488, plus strand): 5'-GTGAAAAGGGTCTCTATGGAGCTGGGCGGCCTTGCTCCATTTATAGTATTTGACAGTGCC[A>G]ACGTGGACCAGGCTGTAGCAGGGGCCATGGCATCTAAATTTAGGAACACTGGACAGGTGA-3'
Protein context (NP_001071.1, residues 310-330): LAPFIVFDSA[Asn320Asp]VDQAVAGAMA